The following is an entry in ClinVar:

NM_001923.5(DDB1):c.925T>C (p.Ser309Pro)

Gene: DDB1 (damage specific DNA binding protein 1; minus strand). Cytogenetic location: 11q12.2.
Variant type: single nucleotide variant.
Coding change: c.925T>C on transcript NM_001923.5 (MANE Select); coding-DNA position 925, T replaced by C.
Protein change: p.Ser309Pro; replaces serine 309 with proline.
Molecular consequence: missense variant.
Genome position (GRCh38, 1-based): chr11:61,323,091, A>G on the plus strand (T>C on the coding strand, the complement: DDB1 is on the minus strand). VCF-style: chr11-61323091-A-G. GRCh37 (hg19) VCF-style: chr11-61090563-A-G.
Other names: short protein forms S309P.
Identifiers: ClinVar variation 5009442 (VCV005009442.1).

ClinVar aggregate classification (germline): Uncertain significance (1 of 4 stars; one submission).

gnomAD v4.1: 2 of 1,613,758 alleles (0.00012%); highest among the groups gnomAD compares: Non-Finnish European, 0.00017%; no homozygotes.

Submission:

GeneDx
Classification: Uncertain significance. Last evaluated: 2026-03-18. Review status: criteria provided, single submitter. Criteria: GeneDx Variant Classification Process June 2021. Collection method: clinical testing. Allele origin: germline.
Comment: Not observed at significant frequency in large population cohorts (gnomAD); In silico analysis supports that this missense variant has a deleterious effect on protein structure/function; Has not been previously published as pathogenic or benign to our knowledge